The following is an entry in ClinVar:

NM_000352.6(ABCC8):c.21C>T (p.Gly7=)

Gene: ABCC8 (ATP binding cassette subfamily C member 8; minus strand). Cytogenetic location: 11p15.1.
Variant type: single nucleotide variant.
Coding change: c.21C>T on transcript NM_000352.6 (MANE Select); coding-DNA position 21, C replaced by T.
Protein change: p.Gly7=; no amino-acid change (glycine 7 retained).
Molecular consequence: synonymous variant. On other transcripts: non-coding transcript variant (1).
Genome position (GRCh38, 1-based): chr11:17,476,756, G>A on the plus strand (C>T on the coding strand, the complement: ABCC8 is on the minus strand). VCF-style: chr11-17476756-G-A. GRCh37 (hg19) VCF-style: chr11-17498303-G-A.
Other names: c.21C>T, p.Gly7= (NM_001287174.3, NM_001351295.2, NM_001351296.2 and 1 more transcripts).
Identifiers: ClinVar variation 3344048 (VCV003344048.1).
Genomic context (GRCh38, chr11:17,476,756, plus strand): 5'-AAAGCAGCCGTTGTTGAGGACCCCCTGGTCCACCCGGTAGGCGGCCGAGTGGTTCTCGCT[G>A]CCGCAGAAGGCCAGGGGCATGGCGGCGCGGGCGCGGGCTGGGCTCGGGCTCAGCTGGCTC-3'
Protein context (NP_000343.2, residues 1-17): MPLAFC[Gly7=]SENHSAAYRV

ClinVar aggregate classification (germline): Likely benign (0 of 4 stars; one submission).

Conditions:
ABCC8-related disorder.

gnomAD v4.1: 1 of 1,586,862 alleles (0.000063%); highest among the groups gnomAD compares: East Asian, 0.0023%; no homozygotes.

Submission:

PreventionGenetics, part of Exact Sciences
Classification: Likely benign for ABCC8-related condition. Last evaluated: 2024-07-09. Review status: no assertion criteria provided. Collection method: clinical testing. Allele origin: germline.
Comment: This variant is classified as likely benign based on ACMG/AMP sequence variant interpretation guidelines (Richards et al. 2015 PMID: 25741868, with internal and published modifications).